The following is an entry in ClinVar:

ClinVar aggregate classification (germline): Uncertain significance (1 of 4 stars; one submission).

Submission:

GeneDx
Classification: Uncertain significance. Last evaluated: 2024-05-15. Review status: criteria provided, single submitter. Criteria: GeneDx Variant Classification Process June 2021. Collection method: clinical testing. Allele origin: germline. Affected: yes.
Comment: Not observed at significant frequency in large population cohorts (gnomAD); In silico analysis supports that this missense variant has a deleterious effect on protein structure/function; Has not been previously published as pathogenic or benign to our knowledge

NM_001130438.3(SPTAN1):c.5396G>A (p.Arg1799Gln)

Gene: SPTAN1 (spectrin alpha, non-erythrocytic 1; plus strand). Cytogenetic location: 9q34.11.
Variant type: single nucleotide variant.
Coding change: c.5396G>A on transcript NM_001130438.3 (MANE Select); coding-DNA position 5396, G replaced by A.
Protein change: p.Arg1799Gln; replaces arginine 1799 with glutamine.
Molecular consequence: missense variant.
Genome position (GRCh38, 1-based): chr9:128,617,678, G>A. VCF-style: chr9-128617678-G-A. GRCh37 (hg19) VCF-style: chr9-131379957-G-A.
Other names: c.5321G>A, p.Arg1774Gln (NM_001195532.2); c.5396G>A, p.Arg1799Gln (NM_001363759.2, NM_001375310.1, NM_001375311.2 and 1 more transcripts); c.5336G>A, p.Arg1779Gln (NM_001363765.2, NM_001375314.2); c.5432G>A, p.Arg1811Gln (NM_001375312.2, NM_001375318.1); c.5381G>A, p.Arg1794Gln (NM_003127.4); short protein forms R1774Q, R1779Q, R1794Q, R1799Q, R1811Q.
Identifiers: ClinVar variation 1806674 (VCV001806674.2), dbSNP rs2541939585, ClinGen allele CA375075956.